The following is an entry in ClinVar:

NM_002691.4(POLD1):c.1237C>T (p.Leu413Phe)

Gene: POLD1 (DNA polymerase delta 1, catalytic subunit; plus strand). Cytogenetic location: 19q13.33.
Variant type: single nucleotide variant.
Coding change: c.1237C>T on transcript NM_002691.4 (MANE Select); coding-DNA position 1237, C replaced by T.
Protein change: p.Leu413Phe; replaces leucine 413 with phenylalanine.
Molecular consequence: missense variant. On other transcripts: non-coding transcript variant (1).
Genome position (GRCh38, 1-based): chr19:50,403,592, C>T. VCF-style: chr19-50403592-C-T. GRCh37 (hg19) VCF-style: chr19-50906849-C-T.
Other names: c.1237C>T, p.Leu413Phe (NM_001256849.1, NM_001308632.1); c.1237C>T (NM_002691.2); short protein forms L413F.
Identifiers: ClinVar variation 1422991 (VCV001422991.7), dbSNP rs2038751825, ClinGen allele CA406978639.

ClinVar aggregate classification (germline): Uncertain significance. Review status: criteria provided, multiple submitters, no conflicts (2 of 4 stars). 2 submissions from 2 submitters: Uncertain significance (2). Last evaluated 2024-10-30.

Conditions:
POLD1-related polyposis and colorectal cancer syndrome (CRCS10). Also called: Colorectal cancer 10; COLORECTAL CANCER, SUSCEPTIBILITY TO, ON CHROMOSOME 19q; Colorectal cancer, susceptibility to, 10. Identifiers: Orphanet 220460, MedGen C2675481, MONDO:0012953, OMIM 612591.
Hereditary cancer-predisposing syndrome. Also called: Neoplastic Syndromes, Hereditary; Tumor predisposition; Hereditary Cancer Syndrome; Hereditary neoplastic syndrome. Identifiers: Orphanet 140162, MedGen C0027672, MeSH D009386, MONDO:0015356.

Allele frequency attached by ClinVar (database versions not stated): TOPMed below 0.00001.

Submissions (2):

Labcorp Genetics (formerly Invitae), Labcorp
Classification: Uncertain significance for POLD1-related polyposis and colorectal cancer syndrome. Last evaluated: 2024-10-30. Review status: criteria provided, single submitter. Criteria: Invitae Variant Classification Sherloc (09022015). Collection method: clinical testing. Allele origin: germline.
Comment: This sequence change replaces leucine, which is neutral and non-polar, with phenylalanine, which is neutral and non-polar, at codon 413 of the POLD1 protein (p.Leu413Phe). This variant is not present in population databases (gnomAD no frequency). This variant has not been reported in the literature in individuals affected with POLD1-related conditions. ClinVar contains an entry for this variant (Variation ID: 1422991). Invitae Evidence Modeling of protein sequence and biophysical properties (such as structural, functional, and spatial information, amino acid conservation, physicochemical variation, residue mobility, and thermodynamic stability) indicates that this missense variant is not expected to disrupt POLD1 protein function with a negative predictive value of 80%. In summary, the available evidence is currently insufficient to determine the role of this variant in disease. Therefore, it has been classified as a Variant of Uncertain Significance.

Ambry Genetics
Classification: Uncertain significance for Hereditary cancer-predisposing syndrome. Last evaluated: 2024-02-28. Review status: criteria provided, single submitter. Criteria: Ambry Variant Classification Scheme 2023. Collection method: clinical testing. Allele origin: germline.
Comment: The p.L413F variant (also known as c.1237C>T), located in coding exon 9 of the POLD1 gene, results from a C to T substitution at nucleotide position 1237. The leucine at codon 413 is replaced by phenylalanine, an amino acid with highly similar properties. This amino acid position is conserved. In addition, this alteration is predicted to be tolerated by in silico analysis. Based on the available evidence, the clinical significance of this alteration remains unclear.